The following is an entry in ClinVar:

ClinVar aggregate classification (germline): Uncertain significance (1 of 4 stars; one submission).

Submission:

Centre for Mendelian Genomics, University Medical Centre Ljubljana
Classification: Uncertain significance. Last evaluated: 2019-11-11. Review status: criteria provided, single submitter. Criteria: ACMG Guidelines, 2015. Collection method: clinical testing. Allele origin: unknown. Affected: yes.
Comment: This variant was classified as: Uncertain significance. The available evidence favors the pathogenic nature of this variant, however the currently available data is insufficient to conclusively support its pathogenic nature. Thus this variant is classified as Uncertain significance - favor pathogenic. The following ACMG criteria were applied in classifying this variant: PS2_M,PM2,PP3.

NM_002107.7(H3-3A):c.185T>G (p.Leu62Arg)

Gene: H3-3A (H3.3 histone A; plus strand). Cytogenetic location: 1q42.12.
Variant type: single nucleotide variant.
Coding change: c.185T>G on transcript NM_002107.7 (MANE Select); coding-DNA position 185, T replaced by G.
Protein change: p.Leu62Arg; replaces leucine 62 with arginine.
Molecular consequence: missense variant.
Genome position (GRCh38, 1-based): chr1:226,065,712, T>G. VCF-style: chr1-226065712-T-G. GRCh37 (hg19) VCF-style: chr1-226253413-T-G.
Other names: c.185T>G, p.Leu62Arg (NM_001379043.1, NM_001379045.1, NM_001379046.1 and 1 more transcripts); short protein forms L62R.
Identifiers: ClinVar variation 932067 (VCV000932067.3), dbSNP rs1657902836, ClinGen allele CA345016886.